The following is an entry in ClinVar:

ClinVar aggregate classification (germline): Uncertain significance (1 of 4 stars; one submission).

Submission:

Labcorp Genetics (formerly Invitae), Labcorp
Classification: Uncertain significance. Last evaluated: 2024-07-09. Review status: criteria provided, single submitter. Criteria: Invitae Variant Classification Sherloc (09022015). Collection method: clinical testing. Allele origin: germline.
Comment: This sequence change replaces leucine, which is neutral and non-polar, with proline, which is neutral and non-polar, at codon 329 of the XPO5 protein (p.Leu329Pro). This variant is not present in population databases (gnomAD no frequency). This variant has not been reported in the literature in individuals affected with XPO5-related conditions. An algorithm developed to predict the effect of missense changes on protein structure and function (PolyPhen-2) suggests that this variant is likely to be disruptive. In summary, the available evidence is currently insufficient to determine the role of this variant in disease. Therefore, it has been classified as a Variant of Uncertain Significance.

NM_020750.3(XPO5):c.986T>C (p.Leu329Pro)

Genes: POLR1C (RNA polymerase I and III subunit C; plus strand), XPO5 (exportin 5; minus strand). Cytogenetic location: 6p21.1.
Variant type: single nucleotide variant.
Coding change: c.986T>C on transcript NM_020750.3 (MANE Select); coding-DNA position 986, T replaced by C.
Protein change: p.Leu329Pro; replaces leucine 329 with proline.
Molecular consequence: missense variant. On other transcripts: non-coding transcript variant (1), 3 prime UTR variant (1).
Genome position (GRCh38, 1-based): chr6:43,562,272, A>G on the plus strand (T>C on the coding strand, the complement: XPO5 is on the minus strand). VCF-style: chr6-43562272-A-G. GRCh37 (hg19) VCF-style: chr6-43530009-A-G.
Other names: c.*915A>G (NM_001363658.2); short protein forms L329P.
Identifiers: ClinVar variation 3659098 (VCV003659098.2).